The following is an entry in ClinVar:

NM_001384732.1(CPLANE1):c.9310+1451C>T

Gene: CPLANE1 (ciliogenesis and planar polarity effector complex subunit 1; minus strand). Cytogenetic location: 5p13.2.
Variant type: single nucleotide variant.
Coding change: c.9310+1451C>T on transcript NM_001384732.1 (MANE Select); 1451 bases into the intron after coding-DNA position 9310, C replaced by T.
Molecular consequence: intron variant.
Genome position (GRCh38, 1-based): chr5:37,118,765, G>A on the plus strand (C>T on the coding strand, the complement: CPLANE1 is on the minus strand). VCF-style: chr5-37118765-G-A. GRCh37 (hg19) VCF-style: chr5-37118867-G-A.
Other names: c.9148+1451C>T (NM_023073.4).
Identifiers: ClinVar variation 4845570 (VCV004845570.1).

ClinVar aggregate classification (germline): Uncertain significance (1 of 4 stars; one submission).

gnomAD v4.1: 1 of 150,710 alleles (0.00066%); highest among the groups gnomAD compares: Admixed American, 0.0066%; no homozygotes.

Submission:

Greenwood Genetic Center Diagnostic Laboratories, Greenwood Genetic Center
Classification: Uncertain significance. Last evaluated: 2025-12-31. Review status: criteria provided, single submitter. Criteria: ACMG Guidelines, 2015. Collection method: clinical testing. Allele origin: germline. Affected: yes.
Comment: PM2, BP4